The following is an entry in ClinVar:

NM_006785.4(MALT1):c.2265C>G (p.Asp755Glu)

Gene: MALT1 (MALT1 paracaspase; plus strand). Cytogenetic location: 18q21.32.
Variant type: single nucleotide variant.
Coding change: c.2265C>G on transcript NM_006785.4 (MANE Select); coding-DNA position 2265, C replaced by G.
Protein change: p.Asp755Glu; replaces aspartic acid 755 with glutamic acid.
Molecular consequence: missense variant.
Genome position (GRCh38, 1-based): chr18:58,747,632, C>G. VCF-style: chr18-58747632-C-G. GRCh37 (hg19) VCF-style: chr18-56414864-C-G.
Other names: c.2232C>G, p.Asp744Glu (NM_173844.3); c.2265C>G (NM_006785.2); short protein forms D744E, D755E.
Identifiers: ClinVar variation 1466263 (VCV001466263.9), dbSNP rs1389783303, ClinGen allele CA402576889.

ClinVar aggregate classification (germline): Uncertain significance. Review status: criteria provided, multiple submitters, no conflicts (2 of 4 stars). 2 submissions from 2 submitters: Uncertain significance (2). Last evaluated 2025-02-14.

Conditions:
Inborn genetic diseases. Identifiers: MedGen C0950123, MeSH D030342.
Combined immunodeficiency due to MALT1 deficiency. Also called: Immunodeficiency 12. Identifiers: Orphanet 397964, MedGen C3809583, MONDO:0014197, OMIM 615468.

Allele frequency attached by ClinVar (database versions not stated): gnomAD exomes below 0.00001 and 0.00001; gnomAD 0.00001.
gnomAD v4.1: 5 of 1,614,060 alleles (0.00031%); highest among the groups gnomAD compares: Admixed American, 0.0017%; no homozygotes.

Submissions (2):

Ambry Genetics
Classification: Uncertain significance for Inborn genetic diseases. Last evaluated: 2025-02-14. Review status: criteria provided, single submitter. Criteria: Ambry Variant Classification Scheme 2023. Collection method: clinical testing. Allele origin: germline.

Labcorp Genetics (formerly Invitae), Labcorp
Classification: Uncertain significance for Combined immunodeficiency due to MALT1 deficiency. Last evaluated: 2022-02-03. Review status: criteria provided, single submitter. Criteria: Invitae Variant Classification Sherloc (09022015). Collection method: clinical testing. Allele origin: germline.
Comment: This variant is present in population databases (no rsID available, gnomAD 0.003%). This sequence change replaces aspartic acid, which is acidic and polar, with glutamic acid, which is acidic and polar, at codon 755 of the MALT1 protein (p.Asp755Glu). This variant has not been reported in the literature in individuals affected with MALT1-related conditions. Algorithms developed to predict the effect of missense changes on protein structure and function (SIFT, PolyPhen-2, Align-GVGD) all suggest that this variant is likely to be tolerated. In summary, the available evidence is currently insufficient to determine the role of this variant in disease. Therefore, it has been classified as a Variant of Uncertain Significance.